The following is an entry in ClinVar:

ClinVar aggregate classification (germline): Benign (0 of 4 stars; one submission).

Conditions:
SEMA3F-related disorder. Also called: SEMA3F-related condition.

Allele frequency attached by ClinVar (database versions not stated): ESP Exome Variant Server 0.63378; TOPMed 0.66761; gnomAD 0.67890; gnomAD exomes 0.69067; ExAC 0.73799; 1000 Genomes Project 30x 0.75640; 1000 Genomes Project 0.76597.
gnomAD v4.1: 1,112,510 of 1,613,054 alleles (69%); highest among the groups gnomAD compares: East Asian, 100%; 388,839 homozygotes.

Submission:

PreventionGenetics, part of Exact Sciences
Classification: Benign for SEMA3F-related condition. Last evaluated: 2022-04-11. Review status: no assertion criteria provided. Collection method: clinical testing. Allele origin: germline.
Comment: This variant is classified as benign based on ACMG/AMP sequence variant interpretation guidelines (Richards et al. 2015 PMID: 25741868, with internal and published modifications).

NM_004186.5(SEMA3F):c.1507T>A (p.Leu503Met)

Gene: SEMA3F (semaphorin 3F; plus strand). Cytogenetic location: 3p21.31.
Variant type: single nucleotide variant.
Coding change: c.1507T>A on transcript NM_004186.5 (MANE Select); coding-DNA position 1507, T replaced by A.
Protein change: p.Leu503Met; replaces leucine 503 with methionine.
Molecular consequence: missense variant.
Genome position (GRCh38, 1-based): chr3:50,185,493, T>A. VCF-style: chr3-50185493-T-A. GRCh37 (hg19) VCF-style: chr3-50222926-T-A.
Other names: c.1210T>A, p.Leu404Met (NM_001318798.2); c.1414T>A, p.Leu472Met (NM_001318800.2); short protein forms L404M, L472M, L503M.
Identifiers: ClinVar variation 3059010 (VCV003059010.2), dbSNP rs1046956, ClinGen allele CA2412134.